The following is an entry in ClinVar:

ClinVar aggregate classification (germline): Uncertain significance (1 of 4 stars; one submission).

Conditions:
Hereditary cancer-predisposing syndrome. Also called: Neoplastic Syndromes, Hereditary; Tumor predisposition; Hereditary neoplastic syndrome; Hereditary Cancer Syndrome. Identifiers: Orphanet 140162, MedGen C0027672, MeSH D009386, MONDO:0015356.

Submission:

Ambry Genetics
Classification: Uncertain significance for Hereditary cancer-predisposing syndrome. Last evaluated: 2026-07-06. Review status: criteria provided, single submitter. Criteria: Ambry Variant Classification Scheme 2023. Collection method: clinical testing. Allele origin: germline.
Comment: The p.A257S variant (also known as c.769G>T), located in coding exon 1 of the AXIN2 gene, results from a G to T substitution at nucleotide position 769. The alanine at codon 257 is replaced by serine, an amino acid with similar properties. This amino acid position is conserved. In addition, this alteration is predicted to be tolerated by in silico analysis. Based on the available evidence, the clinical significance of this variant remains unclear.

NM_004655.4(AXIN2):c.769G>T (p.Ala257Ser)

Gene: AXIN2 (axin 2; minus strand). Cytogenetic location: 17q24.1.
Variant type: single nucleotide variant.
Coding change: c.769G>T on transcript NM_004655.4 (MANE Select); coding-DNA position 769, G replaced by T.
Protein change: p.Ala257Ser; replaces alanine 257 with serine.
Molecular consequence: missense variant.
Genome position (GRCh38, 1-based): chr17:65,557,852, C>A on the plus strand (G>T on the coding strand, the complement: AXIN2 is on the minus strand). VCF-style: chr17-65557852-C-A. GRCh37 (hg19) VCF-style: chr17-63553970-C-A.
Other names: c.769G>T, p.Ala257Ser (NM_001363813.1); short protein forms A257S.
Identifiers: ClinVar variation 5032544 (VCV005032544.1).